The following is an entry in ClinVar:

ClinVar aggregate classification (germline): Pathogenic (1 of 4 stars; one submission).

Conditions:
Megaconial type congenital muscular dystrophy (MDCMC). Also called: MUSCULAR DYSTROPHY, CONGENITAL, WITH MITOCHONDRIAL STRUCTURAL ABNORMALITIES; CHKB-Related Muscle Diseases; CHKB-Related Muscular Dystrophy. Identifiers: Orphanet 280671, MedGen C1865233, MONDO:0011246, OMIM 602541.

Submission:

Labcorp Genetics (formerly Invitae), Labcorp
Classification: Pathogenic for Megaconial type congenital muscular dystrophy. Last evaluated: 2023-10-05. Review status: criteria provided, single submitter. Criteria: Invitae Variant Classification Sherloc (09022015). Collection method: clinical testing. Allele origin: germline.
Comment: This sequence change creates a premature translational stop signal (p.Met179Serfs*18) in the CHKB gene. It is expected to result in an absent or disrupted protein product. Loss-of-function variants in CHKB are known to be pathogenic (PMID: 21665002). This variant is not present in population databases (gnomAD no frequency). This variant has not been reported in the literature in individuals affected with CHKB-related conditions. For these reasons, this variant has been classified as Pathogenic.

Literature cited by the submitters: PubMed 21665002.

NM_005198.5(CHKB):c.536del (p.Met179fs)

Genes: CHKB (choline kinase beta; minus strand), CHKB-CPT1B (CHKB-CPT1B readthrough (NMD candidate); minus strand). Cytogenetic location: 22q13.33.
Variant type: Deletion.
Coding change: c.536del on transcript NM_005198.5 (MANE Select); coding-DNA position 536, one base deleted (T; older notation c.536delT).
Protein change: p.Met179fs; shifts the reading frame from methionine 179.
Molecular consequence: frameshift variant. On other transcripts: non-coding transcript variant (1).
Genome position (GRCh38, 1-based): chr22:50,581,465, A deleted on the plus strand (T on the coding strand, the reverse complement: CHKB is on the minus strand). VCF-style (leftmost placement, unchanged base first): chr22-50581464-CA-C. GRCh37 (hg19) VCF-style: chr22-51019893-CA-C.
Other names: short protein forms M179fs.
Identifiers: ClinVar variation 2765810 (VCV002765810.3), dbSNP rs2522784063, ClinGen allele CA2697552846.